The following is an entry in ClinVar:

NM_001572.5(IRF7):c.847+1G>A

Gene: IRF7 (interferon regulatory factor 7; minus strand). Cytogenetic location: 11p15.5.
Variant type: single nucleotide variant.
Coding change: c.847+1G>A on transcript NM_001572.5 (MANE Select); the canonical splice donor site of the intron after coding-DNA position 847, G replaced by A.
Molecular consequence: splice donor variant.
Genome position (GRCh38, 1-based): chr11:613,784, C>T on the plus strand (G>A on the coding strand, the complement: IRF7 is on the minus strand). VCF-style: chr11-613784-C-T. GRCh37 (hg19) VCF-style: chr11-613784-C-T.
Other names: c.760+1G>A (NM_004029.4); c.886+1G>A (NM_004031.4).
Identifiers: ClinVar variation 852316 (VCV000852316.11), dbSNP rs370669332, ClinGen allele CA5783721.

ClinVar aggregate classification (germline): Uncertain significance (1 of 4 stars; one submission).

Conditions:
Immunodeficiency 39 (IMD39). Identifiers: Orphanet 574918, MedGen C4225358, MONDO:0014597, OMIM 616345.

Allele frequency attached by ClinVar (database versions not stated): TOPMed 0.00002; gnomAD 0.00003 and 0.00004; ESP Exome Variant Server 0.00008.

Submissions (2):

Labcorp Genetics (formerly Invitae), Labcorp
Classification: Uncertain significance for Immunodeficiency 39. Last evaluated: 2023-09-30. Review status: criteria provided, single submitter. Criteria: Invitae Variant Classification Sherloc (09022015). Collection method: clinical testing. Allele origin: germline.
Comment: This sequence change affects a donor splice site in intron 6 of the IRF7 gene. It is expected to disrupt RNA splicing. Variants that disrupt the donor or acceptor splice site typically lead to a loss of protein function (PMID: 16199547), however the current clinical and genetic evidence is not sufficient to establish whether loss-of-function variants in IRF7 cause disease. This variant is present in population databases (rs370669332, gnomAD 0.01%). This variant has not been reported in the literature in individuals affected with IRF7-related conditions. ClinVar contains an entry for this variant (Variation ID: 852316). Algorithms developed to predict the effect of sequence changes on RNA splicing suggest that this variant may disrupt the consensus splice site. In summary, the available evidence is currently insufficient to determine the role of this variant in disease. Therefore, it has been classified as a Variant of Uncertain Significance.

Dr. Peter K. Rogan Lab, Western University
No classification provided (evidence only). Condition: Ovarian serous cystadenocarcinoma. Review status: no classification provided. Collection method: in vitro. Allele origin: not applicable. Functional consequence: retained intron. Not counted in ClinVar's aggregate classification.

Literature cited by the submitters: PubMed 16199547 (cited by Labcorp Genetics (formerly Invitae), Labcorp).